The following is an entry in ClinVar:

ClinVar aggregate classification (germline): Uncertain significance. Review status: criteria provided, multiple submitters, no conflicts (2 of 4 stars). 2 submissions from 2 submitters: Uncertain significance (2). Last evaluated 2024-05-07.

Conditions:
Inborn genetic diseases. Identifiers: MedGen C0950123, MeSH D030342.
Neuropathy, hereditary motor and sensory, type 6B (HMSN6B). Also called: HMSN VIB; CHARCOT-MARIE-TOOTH DISEASE, TYPE 6B; NEUROPATHY, HEREDITARY MOTOR AND SENSORY, TYPE VIB, WITH OPTIC ATROPHY; Neuropathy, hereditary motor and sensory, type VIB. Identifiers: OMIM 616505, MedGen C4225302, MONDO:0014671.

Allele frequency attached by ClinVar (database versions not stated): gnomAD exomes below 0.00001 and 0.00001; TOPMed 0.00001.

Submissions (2):

Ambry Genetics
Classification: Uncertain significance for Inborn genetic diseases. Last evaluated: 2024-05-07. Review status: criteria provided, single submitter. Criteria: Ambry Variant Classification Scheme 2023. Collection method: clinical testing. Allele origin: germline.

Labcorp Genetics (formerly Invitae), Labcorp
Classification: Uncertain significance for Neuropathy, hereditary motor and sensory, type 6B. Last evaluated: 2022-09-01. Review status: criteria provided, single submitter. Criteria: Invitae Variant Classification Sherloc (09022015). Collection method: clinical testing. Allele origin: germline.
Comment: In summary, the available evidence is currently insufficient to determine the role of this variant in disease. Therefore, it has been classified as a Variant of Uncertain Significance. Algorithms developed to predict the effect of missense changes on protein structure and function (SIFT, PolyPhen-2, Align-GVGD) all suggest that this variant is likely to be tolerated. ClinVar contains an entry for this variant (Variation ID: 1478064). This variant has not been reported in the literature in individuals affected with SLC25A46-related conditions. This variant is present in population databases (no rsID available, gnomAD 0.02%). This sequence change replaces aspartic acid, which is acidic and polar, with asparagine, which is neutral and polar, at codon 7 of the SLC25A46 protein (p.Asp7Asn).

NM_138773.4(SLC25A46):c.19G>A (p.Asp7Asn)

Gene: SLC25A46 (solute carrier family 25 member 46; plus strand). Cytogenetic location: 5q22.1.
Variant type: single nucleotide variant.
Coding change: c.19G>A on transcript NM_138773.4 (MANE Select); coding-DNA position 19, G replaced by A.
Protein change: p.Asp7Asn; replaces aspartic acid 7 with asparagine.
Molecular consequence: missense variant. On other transcripts: non-coding transcript variant (1), intron variant (1).
Genome position (GRCh38, 1-based): chr5:110,739,138, G>A. VCF-style: chr5-110739138-G-A. GRCh37 (hg19) VCF-style: chr5-110074839-G-A.
Other names: c.19G>A, p.Asp7Asn (NM_001303249.3); c.10+891G>A (NM_001303250.3); c.19G>A (NM_138773.1); short protein forms D7N.
Identifiers: ClinVar variation 1478064 (VCV001478064.5), dbSNP rs1295016936, ClinGen allele CA360692974.